The following is an entry in ClinVar:

NM_000093.5(COL5A1):c.2099G>C (p.Gly700Ala)

Gene: COL5A1 (collagen type V alpha 1 chain; plus strand). Cytogenetic location: 9q34.3.
Variant type: single nucleotide variant.
Coding change: c.2099G>C on transcript NM_000093.5 (MANE Select); coding-DNA position 2099, G replaced by C.
Protein change: p.Gly700Ala; replaces glycine 700 with alanine.
Molecular consequence: missense variant.
Genome position (GRCh38, 1-based): chr9:134,766,464, G>C. VCF-style: chr9-134766464-G-C. GRCh37 (hg19) VCF-style: chr9-137658310-G-C.
Other names: c.2099G>C, p.Gly700Ala (NM_001278074.1); short protein forms G700A.
Identifiers: ClinVar variation 4772852 (VCV004772852.1).

ClinVar aggregate classification (germline): Uncertain significance (1 of 4 stars; one submission).

Conditions:
Ehlers-Danlos syndrome, classic type, 1 (EDSCL1). Also called: EHLERS-DANLOS SYNDROME, GRAVIS TYPE; EHLERS-DANLOS SYNDROME, SEVERE CLASSIC TYPE; Ehlers-Danlos syndrome, type 1; Ehlers-Danlos Syndrome, Classic Type, COL5A1-Related; EDS I. Identifiers: MedGen C0268335, MONDO:0019567, OMIM 130000.

Submission:

Labcorp Genetics (formerly Invitae), Labcorp
Classification: Uncertain significance for Ehlers-Danlos syndrome, classic type, 1. Last evaluated: 2025-06-08. Review status: criteria provided, single submitter. Criteria: Invitae Variant Classification Sherloc (09022015). Collection method: clinical testing. Allele origin: germline.
Comment: This sequence change replaces glycine, which is neutral and non-polar, with alanine, which is neutral and non-polar, at codon 700 of the COL5A1 protein (p.Gly700Ala). This variant is not present in population databases (gnomAD no frequency). This missense change has been observed in individual(s) with clinical features of Ehlers-Danlos syndrome (internal data). Invitae Evidence Modeling of protein sequence and biophysical properties (such as structural, functional, and spatial information, amino acid conservation, physicochemical variation, residue mobility, and thermodynamic stability) indicates that this missense variant is expected to disrupt COL5A1 protein function with a positive predictive value of 80%. This variant disrupts the triple helix domain of COL5A1. Glycine residues within the Gly-Xaa-Yaa repeats of the triple helix domain are required for the structure and stability of fibrillar collagens (PMID: 7695699, 8218237, 19344236), and variants at these glycine residues in COL5A1 are more frequently observed in individuals with disease than in the general population (PMID: 22696272, 23587214). However, the clinical significance of this observation remains uncertain since only a limited number of affected individuals have been described to date. In summary, the available evidence is currently insufficient to determine the role of this variant in disease. Therefore, it has been classified as a Variant of Uncertain Significance.

Literature cited by the submitters: PubMed 7695699; PubMed 8218237; PubMed 19344236; PubMed 22696272; PubMed 23587214.